The following is an entry in ClinVar:

NM_001367721.1(CASK):c.1970G>A (p.Trp657Ter)

Gene: CASK (calcium/calmodulin dependent serine protein kinase; minus strand). Cytogenetic location: Xp11.4.
Variant type: single nucleotide variant.
Coding change: c.1970G>A on transcript NM_001367721.1 (MANE Select); coding-DNA position 1970, G replaced by A.
Protein change: p.Trp657Ter; replaces tryptophan 657 with a stop codon.
Molecular consequence: nonsense.
Genome position (GRCh38, 1-based): chrX:41,553,788, C>T on the plus strand (G>A on the coding strand, the complement: CASK is on the minus strand). VCF-style: chrX-41553788-C-T. GRCh37 (hg19) VCF-style: chrX-41413041-C-T.
Other names: c.1901G>A, p.Trp634Ter (NM_001126054.3); c.1883G>A, p.Trp628Ter (NM_001126055.3); c.1952G>A, p.Trp651Ter (NM_001410745.1); c.1970G>A, p.Trp657Ter (NM_003688.4); short protein forms W628*, W634*, W657*, W651*.
Identifiers: ClinVar variation 813943 (VCV000813943.2), dbSNP rs1602253509, ClinGen allele CA412992838.

ClinVar aggregate classification (germline): Pathogenic. Review status: criteria provided, multiple submitters, no conflicts (2 of 4 stars). 2 submissions from 2 submitters: Pathogenic (2). Last evaluated 2024-08-15.

Conditions:
Syndromic X-linked intellectual disability Najm type (MICPCH). Also called: MICPCH SYNDROME; Intellectual developmental disorder and microcephaly with pontine and cerebellar hypoplasia; Mental retardation and microcephaly with pontine and cerebellar hypoplasia; MENTAL RETARDATION, X-LINKED, SYNDROMIC, NAJM TYPE; Intellectual Disability and Microcephaly with Pontine and Cerebellar Hypoplasia (MICPCH); Intellectual Disability and Microcephaly with Pontine and Cerebellar Hypoplasia. Identifiers: Orphanet 163937, MedGen C2677903, MONDO:0010417, OMIM 300749.

Submissions (2):

GeneDx
Classification: Pathogenic. Last evaluated: 2024-08-15. Review status: criteria provided, single submitter. Criteria: GeneDx Variant Classification Process June 2021. Collection method: clinical testing. Allele origin: germline. Affected: yes.
Comment: Nonsense variant predicted to result in protein truncation or nonsense mediated decay in a gene for which loss of function is a known mechanism of disease; Not observed at significant frequency in large population cohorts (gnomAD); This variant is associated with the following publications: (PMID: 21609947, 28944139, 33640666, 34085948, 22452838)

Broad Center for Mendelian Genomics, Broad Institute of MIT and Harvard
Classification: Pathogenic for Syndromic X-linked intellectual disability Najm type. Last evaluated: 2018-12-03. Review status: criteria provided, single submitter. Criteria: ACMG Guidelines, 2015. Collection method: research. Allele origin: de novo. Inheritance: X-linked inheritance. Affected: yes.
Comment: Trio exome analysis showed this variant to be de novo and this variant was absent from large population studies. This nonsense variant leads to a premature termination codon at position 657, which is predicted to lead to a truncated or absent protein. Greater than 10% of pathogenic variants reported in association with MICPCH in ClinVar are loss of function variants, including at least three pathogenic loss of function variants across multiple exons. Heterozygous loss of function of the CASK gene is an established disease mechanism for MICPCH. In summary, this variant meets criteria to be classified as pathogenic for MICPCH in an x-linked dominant manner based on the predicted impact of the variant and its de novo inheritance. ACMG/AMP Criteria applied: PM2, PVS1, PS2 (Richards 2015).